The following is an entry in ClinVar:

ClinVar aggregate classification (germline): Uncertain significance. Review status: criteria provided, multiple submitters, no conflicts (2 of 4 stars). 3 submissions from 3 submitters: Uncertain significance (3). Last evaluated 2025-11-05.

Conditions:
TSC2-related disorder. Also called: TSC2-related condition; TSC2-Related Disorders.
Tuberous sclerosis 2 (TSC2). Identifiers: Orphanet 805, MedGen C1860707, MONDO:0013199, OMIM 613254.
Hereditary cancer-predisposing syndrome. Also called: Tumor predisposition; Neoplastic Syndromes, Hereditary; Hereditary Cancer Syndrome; Hereditary neoplastic syndrome. Identifiers: Orphanet 140162, MedGen C0027672, MeSH D009386, MONDO:0015356.

Submissions (3):

Labcorp Genetics (formerly Invitae), Labcorp
Classification: Uncertain significance for Tuberous sclerosis 2. Last evaluated: 2025-11-05. Review status: criteria provided, single submitter. Criteria: Invitae Variant Classification Sherloc (09022015). Collection method: clinical testing. Allele origin: germline.
Comment: This sequence change affects codon 258 of the TSC2 mRNA. It is a 'silent' change, meaning that it does not change the encoded amino acid sequence of the TSC2 protein. This variant also falls at the last nucleotide of exon 8, which is part of the consensus splice site for this exon. This variant is not present in population databases (gnomAD no frequency). This variant has not been reported in the literature in individuals affected with TSC2-related conditions. ClinVar contains an entry for this variant (Variation ID: 2630731). Variants that disrupt the consensus splice site are a relatively common cause of aberrant splicing (PMID: 17576681, 9536098). Algorithms developed to predict the effect of sequence changes on RNA splicing suggest that this variant may disrupt the consensus splice site. In summary, the available evidence is currently insufficient to determine the role of this variant in disease. Therefore, it has been classified as a Variant of Uncertain Significance.

Ambry Genetics
Classification: Uncertain significance for Hereditary cancer-predisposing syndrome. Last evaluated: 2025-09-15. Review status: criteria provided, single submitter. Criteria: Ambry Variant Classification Scheme 2023. Collection method: clinical testing. Allele origin: germline.
Comment: The c.774G>A variant (also known as p.K258K), located in coding exon 7 of the TSC2 gene, results from a G to A substitution at nucleotide position 774. This nucleotide substitution does not change the lysine at codon 258. However, this change occurs in the last base pair of coding exon 7, which makes it likely to have some effect on normal mRNA splicing. This nucleotide position is highly conserved in available vertebrate species. In silico splice site analysis predicts that this alteration will weaken the native splice donor site and will result in the creation or strengthening of a novel splice donor site. RNA studies have demonstrated that this alteration results in a transcript predicted to lead to a protein with an in-frame insertion of 9 amino acids; however, the exact functional impact of the inserted amino acids is unknown at this time (Ambry internal data). Based on the available evidence, the clinical significance of this variant remains unclear.

PreventionGenetics, part of Exact Sciences
Classification: Uncertain significance for TSC2-related condition. Last evaluated: 2023-09-21. Review status: criteria provided, single submitter. Criteria: ACMG Guidelines, 2015. Collection method: clinical testing. Allele origin: germline.
Comment: The TSC2 c.774G>A variant is not predicted to result in an amino acid change (p.=). This variant occurs at the last nucleotide position of exon 8 and is predicted to alter splicing based on available splicing prediction programs (Alamut Visual Plus v1.6.1). To our knowledge, this variant has not been reported in the literature or in a large population database, indicating this variant is rare. At this time, the clinical significance of this variant is uncertain due to the absence of conclusive functional and genetic evidence.

Literature cited by the submitters: PubMed 17576681 (cited by Labcorp Genetics (formerly Invitae), Labcorp); PubMed 9536098 (cited by Labcorp Genetics (formerly Invitae), Labcorp).

NM_000548.5(TSC2):c.774G>A (p.Lys258=)

Gene: TSC2 (TSC complex subunit 2; plus strand). Cytogenetic location: 16p13.3.
Variant type: single nucleotide variant.
Coding change: c.774G>A on transcript NM_000548.5 (MANE Select); coding-DNA position 774, G replaced by A.
Protein change: p.Lys258=; no amino-acid change (lysine 258 retained).
Molecular consequence: synonymous variant. On other transcripts: 5 prime UTR variant (10), non-coding transcript variant (5).
Genome position (GRCh38, 1-based): chr16:2,056,769, G>A. VCF-style: chr16-2056769-G-A. GRCh37 (hg19) VCF-style: chr16-2106770-G-A.
Other names: c.774G>A, p.Lys258= (NM_001077183.3, NM_001114382.3, NM_001363528.2 and 6 more transcripts); c.663G>A, p.Lys221= (NM_001318827.2, NM_001406670.1, NM_001406678.1); c.627G>A, p.Lys209= (NM_001318829.2, NM_001406675.1, NM_001406676.1 and 1 more transcripts); c.174G>A, p.Lys58= (NM_001318831.2, NM_001406680.1, NM_001406682.1 and 6 more transcripts); c.807G>A, p.Lys269= (NM_001318832.2); c.864G>A, p.Lys288= (NM_001406667.1, NM_001406668.1); c.762G>A, p.Lys254= (NM_001406671.1, NM_001406673.1); c.717G>A, p.Lys239= (NM_001406677.1); and 4 more.
Identifiers: ClinVar variation 2630731 (VCV002630731.4), dbSNP rs137854875, ClinGen allele CA492957542.